The following is an entry in ClinVar:

NM_019093.4(UGT1A3):c.622A>C (p.Met208Leu)

Genes: UGT1A (UDP glucuronosyltransferase family 1 member A complex locus; plus strand), UGT1A10 (UDP glucuronosyltransferase family 1 member A10; plus strand), UGT1A3 (UDP glucuronosyltransferase family 1 member A3; plus strand), UGT1A4 (UDP glucuronosyltransferase family 1 member A4; plus strand), UGT1A5 (UDP glucuronosyltransferase family 1 member A5; plus strand) and 4 more. Cytogenetic location: 2q37.1.
Variant type: single nucleotide variant.
Coding change: c.622A>C on transcript NM_019093.4 (MANE Select); coding-DNA position 622, A replaced by C.
Protein change: p.Met208Leu; replaces methionine 208 with leucine.
Molecular consequence: missense variant. On other transcripts: intron variant (8).
Genome position (GRCh38, 1-based): chr2:233,729,748, A>C. VCF-style: chr2-233729748-A-C. GRCh37 (hg19) VCF-style: chr2-234638394-A-C.
Other names: c.856-37286A>C (NM_019076.5, NM_019075.4, NM_021027.3 and 1 more transcripts); c.60+35883A>C (NM_205862.3); c.861+35883A>C (NM_001072.4); c.867+15890A>C (NM_019078.2); c.867+10061A>C (NM_007120.3); short protein forms M208L.
Identifiers: ClinVar variation 3904907 (VCV003904907.10).

ClinVar aggregate classification (germline): Likely benign (1 of 4 stars; one submission).

gnomAD v4.1: 721 of 1,613,992 alleles (0.045%); highest among the groups gnomAD compares: South Asian, 0.18%; 2 homozygotes.

Submission:

CeGaT Center for Human Genetics Tuebingen
Classification: Likely benign. Last evaluated: 2025-06-01. Review status: criteria provided, single submitter. Criteria: CeGaT Center For Human Genetics Tuebingen Variant Classification Criteria Version 2. Collection method: clinical testing. Allele origin: germline. Affected: yes. Observed: 1 variant allele.
Comment: UGT1A3: BP4